The following is an entry in ClinVar:

NM_000465.4(BARD1):c.698A>G (p.Glu233Gly)

Gene: BARD1 (BRCA1 associated RING domain 1; minus strand). Cytogenetic location: 2q35.
Variant type: single nucleotide variant.
Coding change: c.698A>G on transcript NM_000465.4 (MANE Select); coding-DNA position 698, A replaced by G.
Protein change: p.Glu233Gly; replaces glutamic acid 233 with glycine.
Molecular consequence: missense variant. On other transcripts: non-coding transcript variant (2), intron variant (3).
Genome position (GRCh38, 1-based): chr2:214,781,176, T>C on the plus strand (A>G on the coding strand, the complement: BARD1 is on the minus strand). VCF-style: chr2-214781176-T-C. GRCh37 (hg19) VCF-style: chr2-215645900-T-C.
Other names: c.641A>G, p.Glu214Gly (NM_001282543.2); c.158+28236A>G (NM_001282548.2); c.215+15885A>G (NM_001282545.2); c.364+11121A>G (NM_001282549.2); short protein forms E233G, E214G.
Identifiers: ClinVar variation 1756452 (VCV001756452.2), dbSNP rs2469509802, ClinGen allele CA350456359.

ClinVar aggregate classification (germline): Uncertain significance (1 of 4 stars; one submission).

Conditions:
Hereditary cancer-predisposing syndrome. Also called: Neoplastic Syndromes, Hereditary; Tumor predisposition; Hereditary Cancer Syndrome; Hereditary neoplastic syndrome. Identifiers: Orphanet 140162, MedGen C0027672, MeSH D009386, MONDO:0015356.

Submission:

Ambry Genetics
Classification: Uncertain significance for Hereditary cancer-predisposing syndrome. Last evaluated: 2022-07-14. Review status: criteria provided, single submitter. Criteria: Ambry Variant Classification Scheme 2023. Collection method: clinical testing. Allele origin: germline.
Comment: The p.E233G variant (also known as c.698A>G), located in coding exon 4 of the BARD1 gene, results from an A to G substitution at nucleotide position 698. The glutamic acid at codon 233 is replaced by glycine, an amino acid with similar properties. This amino acid position is conserved. In addition, this alteration is predicted to be tolerated by in silico analysis. Since supporting evidence is limited at this time, the clinical significance of this alteration remains unclear.